The following is an entry in ClinVar:

NM_000038.6(APC):c.7590G>C (p.Arg2530=)

Gene: APC (APC regulator of Wnt signaling pathway; plus strand). Cytogenetic location: 5q22.2.
Variant type: single nucleotide variant.
Coding change: c.7590G>C on transcript NM_000038.6 (MANE Select); coding-DNA position 7590, G replaced by C.
Protein change: p.Arg2530=; no amino-acid change (arginine 2530 retained).
Molecular consequence: synonymous variant. On other transcripts: non-coding transcript variant (2).
Genome position (GRCh38, 1-based): chr5:112,843,184, G>C. VCF-style: chr5-112843184-G-C. GRCh37 (hg19) VCF-style: chr5-112178881-G-C.
Other names: c.7413G>C, p.Arg2471= (NM_001354901.2, NM_001407453.1); c.7317G>C, p.Arg2439= (NM_001354902.2); c.7287G>C, p.Arg2429= (NM_001354903.2, NM_001407458.1, NM_001407459.1 and 1 more transcripts); c.7212G>C, p.Arg2404= (NM_001354904.2); c.7110G>C, p.Arg2370= (NM_001354905.2); c.6741G>C, p.Arg2247= (NM_001354906.2, NM_001407470.1); c.7674G>C, p.Arg2558= (NM_001407446.1); c.7644G>C, p.Arg2548= (NM_001407447.1, NM_001407448.1, NM_001407449.1 and 1 more transcripts); and 11 more.
Identifiers: ClinVar variation 4084240 (VCV004084240.8).
Genomic context (GRCh38, chr5:112,843,184, plus strand): 5'-TCTCAGTCCCACTATAGAGTATAATGATGGAAGACCAGCAAAGCGCCATGATATTGCACG[G>C]TCTCATTCTGAAAGTCCTTCTAGACTTCCAATCAATAGGTCAGGAACCTGGAAACGTGAG-3'
Protein context (NP_000029.2, residues 2520-2540): GRPAKRHDIA[Arg2530=]SHSESPSRLP

ClinVar aggregate classification (germline): Likely benign (1 of 4 stars; one submission).

Submission:

CeGaT Center for Human Genetics Tuebingen
Classification: Likely benign. Last evaluated: 2025-08-01. Review status: criteria provided, single submitter. Criteria: CeGaT Center For Human Genetics Tuebingen Variant Classification Criteria Version 2. Collection method: clinical testing. Allele origin: germline. Affected: yes. Observed: 1 variant allele.
Comment: APC: PM2:Supporting, BP4, BP7